The following is an entry in ClinVar:

ClinVar aggregate classification (germline): Uncertain significance (1 of 4 stars; one submission).

Submission:

Labcorp Genetics (formerly Invitae), Labcorp
Classification: Uncertain significance. Last evaluated: 2022-03-04. Review status: criteria provided, single submitter. Criteria: Invitae Variant Classification Sherloc (09022015). Collection method: clinical testing. Allele origin: germline.
Comment: This variant has not been reported in the literature in individuals affected with POLE-related conditions. In summary, the available evidence is currently insufficient to determine the role of this variant in disease. Therefore, it has been classified as a Variant of Uncertain Significance. Algorithms developed to predict the effect of missense changes on protein structure and function (SIFT, PolyPhen-2, Align-GVGD) all suggest that this variant is likely to be disruptive. This variant is not present in population databases (gnomAD no frequency). This sequence change replaces serine, which is neutral and polar, with threonine, which is neutral and polar, at codon 891 of the POLE protein (p.Ser891Thr).

NM_006231.4(POLE):c.2671T>A (p.Ser891Thr)

Gene: POLE (DNA polymerase epsilon, catalytic subunit; minus strand). Cytogenetic location: 12q24.33.
Variant type: single nucleotide variant.
Coding change: c.2671T>A on transcript NM_006231.4 (MANE Select); coding-DNA position 2671, T replaced by A.
Protein change: p.Ser891Thr; replaces serine 891 with threonine.
Molecular consequence: missense variant.
Genome position (GRCh38, 1-based): chr12:132,664,039, A>T on the plus strand (T>A on the coding strand, the complement: POLE is on the minus strand). VCF-style: chr12-132664039-A-T. GRCh37 (hg19) VCF-style: chr12-133240625-A-T.
Other names: short protein forms S891T.
Identifiers: ClinVar variation 2106589 (VCV002106589.4), dbSNP rs2542062378, ClinGen allele CA387395222.
Genomic context (GRCh38, chr12:132,664,039, plus strand): 5'-TCAGGACCAGAGGCCCCAGACTCACCTTGACCATGATGTTCAACATGGCGCCTGGGTAGG[A>T]GATGGTCACTTTGGGCTTCTTCACATTGGTCGTCTTGAAGACAAAATTTTCTGGGAAGCT-3'
Protein context (NP_006222.2, residues 881-901): TNVKKPKVTI[Ser891Thr]YPGAMLNIMV